The following is an entry in ClinVar:

ClinVar aggregate classification (germline): Likely pathogenic (1 of 4 stars; one submission).

Submission:

Mayo Clinic Laboratories, Mayo Clinic
Classification: Likely pathogenic. Last evaluated: 2025-07-21. Review status: criteria provided, single submitter. Criteria: ACMG Guidelines, 2015. Collection method: clinical testing. Allele origin: germline. Observed: 1 variant allele.
Comment: PP3_strong, PM1, PM2_supporting

Literature cited by the submitters: PubMed 40014570.

NM_004998.4(MYO1E):c.1337T>A (p.Val446Glu)

Gene: MYO1E (myosin IE; minus strand). Cytogenetic location: 15q22.2.
Variant type: single nucleotide variant.
Coding change: c.1337T>A on transcript NM_004998.4 (MANE Select); coding-DNA position 1337, T replaced by A.
Protein change: p.Val446Glu; replaces valine 446 with glutamic acid.
Molecular consequence: missense variant.
Genome position (GRCh38, 1-based): chr15:59,210,539, A>T on the plus strand (T>A on the coding strand, the complement: MYO1E is on the minus strand). VCF-style: chr15-59210539-A-T. GRCh37 (hg19) VCF-style: chr15-59502738-A-T.
Other names: p.Val446Glu; short protein forms V446E.
Identifiers: ClinVar variation 4541955 (VCV004541955.1).